The following is an entry in ClinVar:

ClinVar aggregate classification (germline): Uncertain significance (1 of 4 stars; one submission).

Allele frequency attached by ClinVar (database versions not stated): ExAC 0.00001; gnomAD exomes 0.00001; TOPMed 0.00002.
gnomAD v4.1: 3 of 1,614,232 alleles (0.00019%); highest among the groups gnomAD compares: African/African-American, 0.0013%; no homozygotes.

Submission:

Labcorp Genetics (formerly Invitae), Labcorp
Classification: Uncertain significance. Last evaluated: 2022-05-19. Review status: criteria provided, single submitter. Criteria: Invitae Variant Classification Sherloc (09022015). Collection method: clinical testing. Allele origin: germline.
Comment: Algorithms developed to predict the effect of missense changes on protein structure and function are either unavailable or do not agree on the potential impact of this missense change (SIFT: "Deleterious"; PolyPhen-2: "Possibly Damaging"; Align-GVGD: "Class C0"). In summary, the available evidence is currently insufficient to determine the role of this variant in disease. Therefore, it has been classified as a Variant of Uncertain Significance. This variant has not been reported in the literature in individuals affected with DNAJC21-related conditions. This variant is present in population databases (rs776404640, gnomAD 0.01%). This sequence change replaces lysine, which is basic and polar, with glutamic acid, which is acidic and polar, at codon 197 of the DNAJC21 protein (p.Lys197Glu).

NM_001012339.3(DNAJC21):c.589A>G (p.Lys197Glu)

Gene: DNAJC21 (DnaJ heat shock protein family (Hsp40) member C21; plus strand). Cytogenetic location: 5p13.2.
Variant type: single nucleotide variant.
Coding change: c.589A>G on transcript NM_001012339.3 (MANE Select); coding-DNA position 589, A replaced by G.
Protein change: p.Lys197Glu; replaces lysine 197 with glutamic acid.
Molecular consequence: missense variant.
Genome position (GRCh38, 1-based): chr5:34,937,476, A>G. VCF-style: chr5-34937476-A-G. GRCh37 (hg19) VCF-style: chr5-34937581-A-G.
Other names: c.589A>G, p.Lys197Glu (NM_001348420.2, NM_194283.4); short protein forms K197E.
Identifiers: ClinVar variation 1963090 (VCV001963090.5), dbSNP rs776404640, ClinGen allele CA3228498.